The following is an entry in ClinVar:

ClinVar aggregate classification (germline): Uncertain significance (1 of 4 stars; one submission).

Conditions:
Dyskeratosis congenita, autosomal dominant 1 (DKCA1). Also called: Dyskeratosis congenita Scoggins type. Identifiers: Orphanet 1775, MedGen C4551974, MONDO:0007485, OMIM 127550. Inheritance: Variable.

Submission:

Labcorp Genetics (formerly Invitae), Labcorp
Classification: Uncertain significance for Dyskeratosis congenita, autosomal dominant 1. Last evaluated: 2025-12-22. Review status: criteria provided, single submitter. Criteria: Invitae Variant Classification Sherloc (09022015). Collection method: clinical testing. Allele origin: germline.
Comment: This variant occurs in the TERC gene, which encodes an RNA molecule that does not result in a protein product. This variant is not present in population databases (gnomAD no frequency). This variant has not been reported in the literature in individuals affected with TERC-related conditions. ClinVar contains an entry for this variant (Variation ID: 1062991). This variant is located within the template/pseudoknot domain of the TERC RNA component, which is required for RNA or RNP stability (PMID: 15082312, 21844345). This variant is located in a region of TERC in which a significant number of disease causing variants have been reported (PMID: 15082312, 21844345, 21931702). These observations suggest that this may be a clinically significant region. In summary, the available evidence is currently insufficient to determine the role of this variant in disease. Therefore, it has been classified as a Variant of Uncertain Significance.

Literature cited by the submitters: PubMed 15082312; PubMed 21844345; PubMed 21931702.

NC_000003.12:g.169764996C>A

Genes: TERC (telomerase RNA component; minus strand), LOC110806306 (telomerase RNA component (TERC) promoter; plus strand). Cytogenetic location: 3q26.2.
Variant type: single nucleotide variant.
Genome position: GRCh38 VCF-style: chr3-169764996-C-A. GRCh37 (hg19) VCF-style: chr3-169482784-C-A.
Identifiers: ClinVar variation 1062991 (VCV001062991.9), dbSNP rs2108183345, ClinGen allele CA436715907.